The following is an entry in ClinVar:

ClinVar aggregate classification (germline): Uncertain significance (1 of 4 stars; one submission).

Conditions:
Ataxia-telangiectasia syndrome (AT). Also called: Ataxia-telangiectasia, complementation group D; AT, COMPLEMENTATION GROUP C; ATAXIA-TELANGIECTASIA, COMPLEMENTATION GROUP A; ATAXIA-TELANGIECTASIA, FRESNO VARIANT; Ataxia-telangiectasia; Ataxia telangiectasia (A-T). Identifiers: Orphanet 100, MedGen C0004135, MONDO:0008840, OMIM 208900.

Submission:

Labcorp Genetics (formerly Invitae), Labcorp
Classification: Uncertain significance for Ataxia-telangiectasia syndrome. Last evaluated: 2019-06-10. Review status: criteria provided, single submitter. Criteria: Invitae Variant Classification Sherloc (09022015). Collection method: clinical testing. Allele origin: germline.
Comment: Algorithms developed to predict the effect of missense changes on protein structure and function are either unavailable or do not agree on the potential impact of this missense change (SIFT: "Deleterious"; PolyPhen-2: "Probably Damaging"; Align-GVGD: "Class C15"). In summary, the available evidence is currently insufficient to determine the role of this variant in disease. Therefore, it has been classified as a Variant of Uncertain Significance. This variant has not been reported in the literature in individuals with ATM-related conditions. This sequence change replaces leucine with phenylalanine at codon 2081 of the ATM protein (p.Leu2081Phe). The leucine residue is highly conserved and there is a small physicochemical difference between leucine and phenylalanine. This variant is not present in population databases (ExAC no frequency).

NM_000051.4(ATM):c.6243A>T (p.Leu2081Phe)

Genes: ATM (ATM serine/threonine kinase; plus strand), C11orf65 (chromosome 11 open reading frame 65; minus strand). Cytogenetic location: 11q22.3.
Variant type: single nucleotide variant.
Coding change: c.6243A>T on transcript NM_000051.4 (MANE Select); coding-DNA position 6243, A replaced by T.
Protein change: p.Leu2081Phe; replaces leucine 2081 with phenylalanine.
Molecular consequence: missense variant. On other transcripts: intron variant (2).
Genome position (GRCh38, 1-based): chr11:108,317,417, A>T. VCF-style: chr11-108317417-A-T. GRCh37 (hg19) VCF-style: chr11-108188144-A-T.
Other names: c.6243A>T, p.Leu2081Phe (NM_001351834.2); c.641-8346T>A (NM_001330368.2); c.*39-8346T>A (NM_001351110.2); short protein forms L2081F.
Identifiers: ClinVar variation 947281 (VCV000947281.10), dbSNP rs2084779894, ClinGen allele CA382551230.
Genomic context (GRCh38, chr11:108,317,417, plus strand): 5'-AATAACTCCTGTTTAGGCCTTGCAGAATTTGGGACTCTGCCATATTCTTTCCGTCTATTT[A>T]AAAGGATTGGATTATGAAAATAAAGACTGGTGTCCTGAACTAGAAGAACTTCATTACCAA-3'
Protein context (NP_000042.3, residues 2071-2091): LGLCHILSVY[Leu2081Phe]KGLDYENKDW